The following is an entry in ClinVar:

NM_147127.5(EVC2):c.1710+315C>T

Gene: EVC2 (EvC ciliary complex subunit 2; minus strand). Cytogenetic location: 4p16.2.
Variant type: single nucleotide variant.
Coding change: c.1710+315C>T on transcript NM_147127.5 (MANE Select); 315 bases into the intron after coding-DNA position 1710, C replaced by T.
Molecular consequence: intron variant.
Genome position (GRCh38, 1-based): chr4:5,631,478, G>A on the plus strand (C>T on the coding strand, the complement: EVC2 is on the minus strand). VCF-style: chr4-5631478-G-A. GRCh37 (hg19) VCF-style: chr4-5633205-G-A.
Other names: c.1470+315C>T (NM_001166136.2).
Identifiers: ClinVar variation 671964 (VCV000671964.1), dbSNP rs1013600, ClinGen allele CA11744134.

ClinVar aggregate classification (germline): Benign (1 of 4 stars; one submission).

Allele frequency attached by ClinVar (database versions not stated): gnomAD 0.45616 and 0.46283; TOPMed 0.48200; 1000 Genomes Project 0.52656; 1000 Genomes Project 30x 0.53482.
gnomAD v4.1: 68,958 of 151,794 alleles (45%); highest among the groups gnomAD compares: African/African-American, 78%; 19,167 homozygotes.

Submission:

GeneDx
Classification: Benign. Last evaluated: 2018-06-19. Review status: criteria provided, single submitter. Criteria: GeneDx Variant Classification (06012015). Collection method: clinical testing. Allele origin: germline. Affected: yes.
Comment: This variant is considered likely benign or benign based on one or more of the following criteria: it is a conservative change, it occurs at a poorly conserved position in the protein, it is predicted to be benign by multiple in silico algorithms, and/or has population frequency not consistent with disease.